The following is an entry in ClinVar:

ClinVar aggregate classification (germline): Uncertain significance. Review status: criteria provided, multiple submitters, no conflicts (2 of 4 stars). 2 submissions from 2 submitters: Uncertain significance (2). Last evaluated 2025-12-16.

Conditions:
Inborn genetic diseases. Identifiers: MedGen C0950123, MeSH D030342.

Allele frequency attached by ClinVar (database versions not stated): ExAC 0.00001; TOPMed 0.00001; gnomAD exomes 0.00002.
gnomAD v4.1: 19 of 1,614,258 alleles (0.0012%); highest among the groups gnomAD compares: Admixed American, 0.01%; no homozygotes.

Submissions (2):

Ambry Genetics
Classification: Uncertain significance for Inborn genetic diseases. Last evaluated: 2025-12-16. Review status: criteria provided, single submitter. Criteria: Ambry Variant Classification Scheme 2023. Collection method: clinical testing. Allele origin: germline.

Labcorp Genetics (formerly Invitae), Labcorp
Classification: Uncertain significance. Last evaluated: 2021-08-14. Review status: criteria provided, single submitter. Criteria: Invitae Variant Classification Sherloc (09022015). Collection method: clinical testing. Allele origin: germline.
Comment: This sequence change replaces threonine with methionine at codon 378 of the CANT1 protein (p.Thr378Met). The threonine residue is highly conserved and there is a moderate physicochemical difference between threonine and methionine. This variant is present in population databases (rs751200931, ExAC 0.001%). This variant has not been reported in the literature in individuals affected with CANT1-related conditions. Algorithms developed to predict the effect of missense changes on protein structure and function are either unavailable or do not agree on the potential impact of this missense change (SIFT: "Deleterious"; PolyPhen-2: "Possibly Damaging"; Align-GVGD: "Class C0"). In summary, the available evidence is currently insufficient to determine the role of this variant in disease. Therefore, it has been classified as a Variant of Uncertain Significance.

NM_001159773.2(CANT1):c.1133C>T (p.Thr378Met)

Gene: CANT1 (calcium activated nucleotidase 1; minus strand). Cytogenetic location: 17q25.3.
Variant type: single nucleotide variant.
Coding change: c.1133C>T on transcript NM_001159773.2 (MANE Select); coding-DNA position 1133, C replaced by T.
Protein change: p.Thr378Met; replaces threonine 378 with methionine.
Molecular consequence: missense variant.
Genome position (GRCh38, 1-based): chr17:78,993,623, G>A on the plus strand (C>T on the coding strand, the complement: CANT1 is on the minus strand). VCF-style: chr17-78993623-G-A. GRCh37 (hg19) VCF-style: chr17-76989705-G-A.
Other names: c.1133C>T, p.Thr378Met (NM_001159772.2, NM_138793.4); c.1133C>T (NM_138793.3); short protein forms T378M.
Identifiers: ClinVar variation 1480308 (VCV001480308.6), dbSNP rs751200931, ClinGen allele CA8808505.